The following is an entry in ClinVar:

NM_000051.4(ATM):c.4409A>G (p.Tyr1470Cys)

Gene: ATM (ATM serine/threonine kinase; plus strand). Cytogenetic location: 11q22.3.
Variant type: single nucleotide variant.
Coding change: c.4409A>G on transcript NM_000051.4 (MANE Select); coding-DNA position 4409, A replaced by G.
Protein change: p.Tyr1470Cys; replaces tyrosine 1470 with cysteine.
Molecular consequence: missense variant.
Genome position (GRCh38, 1-based): chr11:108,289,774, A>G. VCF-style: chr11-108289774-A-G. GRCh37 (hg19) VCF-style: chr11-108160501-A-G.
Other names: c.4409A>G, p.Tyr1470Cys (NM_001351834.2); short protein forms Y1470C.
Identifiers: ClinVar variation 824869 (VCV000824869.5), dbSNP rs1591663898, ClinGen allele CA382532239.

ClinVar aggregate classification (germline): Uncertain significance. Review status: criteria provided, multiple submitters, no conflicts (2 of 4 stars). 2 submissions from 2 submitters: Uncertain significance (2). Last evaluated 2023-11-11.

Conditions:
Hereditary cancer-predisposing syndrome. Also called: Neoplastic Syndromes, Hereditary; Hereditary Cancer Syndrome; Hereditary neoplastic syndrome; Tumor predisposition. Identifiers: Orphanet 140162, MedGen C0027672, MeSH D009386, MONDO:0015356.
Ataxia-telangiectasia syndrome (AT). Also called: ATAXIA-TELANGIECTASIA, COMPLEMENTATION GROUP A; ATAXIA-TELANGIECTASIA, FRESNO VARIANT; Ataxia-telangiectasia, complementation group E; Ataxia telangiectasia (A-T); LOUIS-BAR SYNDROME; Cerebello-oculocutaneous telangiectasia. Identifiers: Orphanet 100, MedGen C0004135, MONDO:0008840, OMIM 208900.

Submissions (2):

Labcorp Genetics (formerly Invitae), Labcorp
Classification: Uncertain significance for Ataxia-telangiectasia syndrome. Last evaluated: 2023-11-11. Review status: criteria provided, single submitter. Criteria: Invitae Variant Classification Sherloc (09022015). Collection method: clinical testing. Allele origin: germline.
Comment: This sequence change replaces tyrosine, which is neutral and polar, with cysteine, which is neutral and slightly polar, at codon 1470 of the ATM protein (p.Tyr1470Cys). This variant is not present in population databases (gnomAD no frequency). This variant has not been reported in the literature in individuals affected with ATM-related conditions. ClinVar contains an entry for this variant (Variation ID: 824869). An algorithm developed to predict the effect of missense changes on protein structure and function (PolyPhen-2) suggests that this variant is likely to be disruptive. In summary, the available evidence is currently insufficient to determine the role of this variant in disease. Therefore, it has been classified as a Variant of Uncertain Significance.

Ambry Genetics
Classification: Uncertain significance for Hereditary cancer-predisposing syndrome. Last evaluated: 2022-03-29. Review status: criteria provided, single submitter. Criteria: Ambry Variant Classification Scheme 2023. Collection method: clinical testing. Allele origin: germline.
Comment: The p.Y1470C variant (also known as c.4409A>G), located in coding exon 28 of the ATM gene, results from an A to G substitution at nucleotide position 4409. The tyrosine at codon 1470 is replaced by cysteine, an amino acid with highly dissimilar properties. This amino acid position is highly conserved in available vertebrate species. In addition, this alteration is predicted to be deleterious by in silico analysis. Since supporting evidence is limited at this time, the clinical significance of this alteration remains unclear.